The following is an entry in ClinVar:

NM_001286581.2(PHRF1):c.2877G>A (p.Thr959=)

Gene: PHRF1 (PHD and ring finger domains 1; plus strand). Cytogenetic location: 11p15.5.
Variant type: single nucleotide variant.
Coding change: c.2877G>A on transcript NM_001286581.2 (MANE Select); coding-DNA position 2877, G replaced by A.
Protein change: p.Thr959=; no amino-acid change (threonine 959 retained).
Molecular consequence: synonymous variant.
Genome position (GRCh38, 1-based): chr11:608,333, G>A. VCF-style: chr11-608333-G-A. GRCh37 (hg19) VCF-style: chr11-608333-G-A.
Other names: c.2871G>A, p.Thr957= (NM_001286582.2); c.2865G>A, p.Thr955= (NM_001286583.2); c.2874G>A, p.Thr958= (NM_020901.4).
Identifiers: ClinVar variation 783590 (VCV000783590.28), dbSNP rs201645397, ClinGen allele CA5782625.

ClinVar aggregate classification (germline): Likely benign. Review status: criteria provided, multiple submitters, no conflicts (2 of 4 stars). 2 submissions from 2 submitters: Likely benign (2). Last evaluated 2023-05-01.

Allele frequency attached by ClinVar (database versions not stated): 1000 Genomes Project 30x 0.00031; 1000 Genomes Project 0.00040; gnomAD exomes 0.00130; TOPMed 0.00130; ExAC 0.00133; gnomAD 0.00135 and 0.00137; ESP Exome Variant Server 0.00242.

Submissions (2):

CeGaT Center for Human Genetics Tuebingen
Classification: Likely benign. Last evaluated: 2023-05-01. Review status: criteria provided, single submitter. Criteria: CeGaT Center For Human Genetics Tuebingen Variant Classification Criteria Version 2. Collection method: clinical testing. Allele origin: germline. Affected: yes. Observed: 1 variant allele.
Comment: PHRF1: BP4, BP7

Labcorp Genetics (formerly Invitae), Labcorp
Classification: Likely benign. Last evaluated: 2019-12-31. Review status: criteria provided, single submitter. Criteria: Invitae Variant Classification Sherloc (09022015). Collection method: clinical testing. Allele origin: germline.